The following is an entry in ClinVar:

ClinVar aggregate classification (germline): Pathogenic (1 of 4 stars; one submission).

Conditions:
Cataract 2, multiple types (CTRCT2). Also called: CATARACT 2, ZONULAR PULVERULENT; CATARACT 2, MULTIPLE TYPES, WITH OR WITHOUT MICROCORNEA; CATARACT 2, NUCLEAR, WITH MICROCORNEA; CATARACT 2, NUCLEAR. Identifiers: Orphanet 91492, MedGen C4721890, MONDO:0100436, OMIM 604307.

Submission:

Baylor Genetics
Classification: Pathogenic for Cataract 2, multiple types. Last evaluated: 2018-02-09. Review status: criteria provided, single submitter. Criteria: ACMG Guidelines, 2015. Collection method: clinical testing. Allele origin: maternal. Affected: yes.
Comment: This variant was determined to be pathogenic according to ACMG Guidelines, 2015 [PMID:25741868]. This variant has been previously reported as pathogenic [PMID 28298635]

Literature cited by the submitters: PubMed 28298635.

NM_020989.4(CRYGC):c.423del (p.Arg142fs)

Genes: CRYGC (crystallin gamma C; minus strand), LOC100507443 (uncharacterized LOC100507443; plus strand). Cytogenetic location: 2q33.3.
Variant type: Deletion.
Coding change: c.423del on transcript NM_020989.4 (MANE Select); coding-DNA position 423, one base deleted (G; older notation c.423delG).
Protein change: p.Arg142fs; shifts the reading frame from arginine 142.
Molecular consequence: frameshift variant.
Genome position (GRCh38, 1-based): chr2:208,128,305, C deleted on the plus strand (G on the coding strand, the reverse complement: CRYGC is on the minus strand); the first of 5 consecutive C bases (chr2:208,128,305-208,128,309); deleting any one gives the same sequence. VCF-style (leftmost placement, unchanged base first): chr2-208128304-GC-G. GRCh37 (hg19) VCF-style: chr2-208993028-GC-G.
Other names: short protein forms R142fs.
Identifiers: ClinVar variation 1033968 (VCV001033968.1), dbSNP rs1553585262, ClinGen allele CA645372109.